The following is an entry in ClinVar:

ClinVar aggregate classification (germline): Uncertain significance (1 of 4 stars; one submission).

Conditions:
Bloom syndrome (BLM). Also called: Bloom-Torre-Machacek syndrome. Identifiers: Orphanet 125, MedGen C0005859, MONDO:0008876, OMIM 210900.

gnomAD v4.1: 2 of 1,612,656 alleles (0.00012%); highest among the groups gnomAD compares: Non-Finnish European, 0.00017%; no homozygotes.

Submission:

Labcorp Genetics (formerly Invitae), Labcorp
Classification: Uncertain significance for Bloom syndrome. Last evaluated: 2022-02-19. Review status: criteria provided, single submitter. Criteria: Invitae Variant Classification Sherloc (09022015). Collection method: clinical testing. Allele origin: germline.
Comment: Algorithms developed to predict the effect of missense changes on protein structure and function output the following: SIFT: "Tolerated"; PolyPhen-2: "Benign"; Align-GVGD: "Class C0". The isoleucine amino acid residue is found in multiple mammalian species, which suggests that this missense change does not adversely affect protein function. ClinVar contains an entry for this variant (Variation ID: 951197). This variant has not been reported in the literature in individuals affected with BLM-related conditions. This variant is not present in population databases (gnomAD no frequency). This sequence change replaces valine, which is neutral and non-polar, with isoleucine, which is neutral and non-polar, at codon 65 of the BLM protein (p.Val65Ile). In summary, the available evidence is currently insufficient to determine the role of this variant in disease. Therefore, it has been classified as a Variant of Uncertain Significance.

NM_000057.4(BLM):c.193G>A (p.Val65Ile)

Gene: BLM (BLM RecQ like helicase; plus strand). Cytogenetic location: 15q26.1.
Variant type: single nucleotide variant.
Coding change: c.193G>A on transcript NM_000057.4 (MANE Select); coding-DNA position 193, G replaced by A.
Protein change: p.Val65Ile; replaces valine 65 with isoleucine.
Molecular consequence: missense variant. On other transcripts: 5 prime UTR variant (1).
Genome position (GRCh38, 1-based): chr15:90,749,461, G>A. VCF-style: chr15-90749461-G-A. GRCh37 (hg19) VCF-style: chr15-91292691-G-A.
Other names: c.193G>A, p.Val65Ile (NM_001287246.2, NM_001287247.2); c.-1099G>A (NM_001287248.2); short protein forms V65I.
Identifiers: ClinVar variation 951197 (VCV000951197.10), dbSNP rs1895603124, ClinGen allele CA393839665.